The following is an entry in ClinVar:

NM_020806.5(GPHN):c.730-10T>A

Gene: GPHN (gephyrin; plus strand). Cytogenetic location: 14q23.3.
Variant type: single nucleotide variant.
Coding change: c.730-10T>A on transcript NM_020806.5 (MANE Select); 10 bases into the intron before coding-DNA position 730, T replaced by A.
Molecular consequence: intron variant.
Genome position (GRCh38, 1-based): chr14:66,924,184, T>A. VCF-style: chr14-66924184-T-A. GRCh37 (hg19) VCF-style: chr14-67390901-T-A.
Other names: c.768+1246T>A (NM_001377514.1, NM_001377519.1); c.729+1246T>A (NM_001377515.1, NM_001377516.1, NM_001377518.1 and 2 more transcripts).
Identifiers: ClinVar variation 2177633 (VCV002177633.4), dbSNP rs371948902, ClinGen allele CA7233821.

ClinVar aggregate classification (germline): Uncertain significance (1 of 4 stars; one submission).

Conditions:
Sulfite oxidase deficiency due to molybdenum cofactor deficiency type C. Also called: Molybdenum cofactor deficiency C; Molybdenum cofactor deficiency, complementation group C. Identifiers: Orphanet 308400, Orphanet 833, MedGen C1854990, MONDO:0014212, OMIM 615501.

Allele frequency attached by ClinVar (database versions not stated): gnomAD exomes below 0.00001; TOPMed below 0.00001; ExAC 0.00001; gnomAD 0.00001; ESP Exome Variant Server 0.00008.
gnomAD v4.1: 3 of 1,466,450 alleles (0.0002%); highest among the groups gnomAD compares: African/African-American, 0.0042%; no homozygotes.

Submission:

Labcorp Genetics (formerly Invitae), Labcorp
Classification: Uncertain significance for Sulfite oxidase deficiency due to molybdenum cofactor deficiency type C. Last evaluated: 2022-08-22. Review status: criteria provided, single submitter. Criteria: Invitae Variant Classification Sherloc (09022015). Collection method: clinical testing. Allele origin: germline.
Comment: In summary, the available evidence is currently insufficient to determine the role of this variant in disease. Therefore, it has been classified as a Variant of Uncertain Significance. Algorithms developed to predict the effect of sequence changes on RNA splicing suggest that this variant may disrupt the consensus splice site. This variant has not been reported in the literature in individuals affected with GPHN-related conditions. This variant is present in population databases (rs371948902, gnomAD 0.01%). This sequence change falls in intron 7 of the GPHN gene. It does not directly change the encoded amino acid sequence of the GPHN protein.